The following is an entry in ClinVar:

ClinVar aggregate classification (germline): Conflicting classifications of pathogenicity. Review status: criteria provided, conflicting classifications (1 of 4 stars). 2 submissions from 2 submitters: Uncertain significance (1); Likely benign (1). Last evaluated 2025-12-16.

Conditions:
Inborn genetic diseases. Identifiers: MedGen C0950123, MeSH D030342.

Allele frequency attached by ClinVar (database versions not stated): TOPMed 0.00001; gnomAD 0.00005.
gnomAD v4.1: 27 of 1,613,904 alleles (0.0017%); highest among the groups gnomAD compares: African/African-American, 0.012%; no homozygotes.

Submissions (2):

Ambry Genetics
Classification: Uncertain significance for Inborn genetic diseases. Last evaluated: 2025-12-16. Review status: criteria provided, single submitter. Criteria: Ambry Variant Classification Scheme 2023. Collection method: clinical testing. Allele origin: germline.
Comment: The c.5582A>G (p.H1861R) alteration is located in exon 27 (coding exon 27) of the ADGRV1 gene. This alteration results from a A to G substitution at nucleotide position 5582, causing the histidine (H) at amino acid position 1861 to be replaced by an arginine (R). Based on data from gnomAD, the G allele has an overall frequency of 0.001% (3/280200) total alleles studied. The highest observed frequency was 0.004% (1/24196) of African alleles. Based on insufficient or conflicting evidence, the clinical significance of this alteration remains unclear.

Labcorp Genetics (formerly Invitae), Labcorp
Classification: Likely benign. Last evaluated: 2024-05-17. Review status: criteria provided, single submitter. Criteria: Invitae Variant Classification Sherloc (09022015). Collection method: clinical testing. Allele origin: germline.

NM_032119.4(ADGRV1):c.5582A>G (p.His1861Arg)

Gene: ADGRV1 (adhesion G protein-coupled receptor V1; plus strand). Cytogenetic location: 5q14.3.
Variant type: single nucleotide variant.
Coding change: c.5582A>G on transcript NM_032119.4 (MANE Select); coding-DNA position 5582, A replaced by G.
Protein change: p.His1861Arg; replaces histidine 1861 with arginine.
Molecular consequence: missense variant. On other transcripts: non-coding transcript variant (1).
Genome position (GRCh38, 1-based): chr5:90,681,372, A>G. VCF-style: chr5-90681372-A-G. GRCh37 (hg19) VCF-style: chr5-89977189-A-G.
Other names: c.5582A>G (NM_032119.3); short protein forms H1861R.
Identifiers: ClinVar variation 1945300 (VCV001945300.6), dbSNP rs568577753, ClinGen allele CA3339623.